The following is an entry in ClinVar:

NM_025215.6(PUS1):c.581_585del (p.Asn194fs)

Gene: PUS1 (pseudouridine synthase 1; plus strand). Cytogenetic location: 12q24.33.
Variant type: Deletion.
Coding change: c.581_585del on transcript NM_025215.6 (MANE Select); coding-DNA positions 581 to 585, 5 bases deleted (ACAGA; older notation c.581_585delACAGA).
Protein change: p.Asn194fs; shifts the reading frame from asparagine 194.
Molecular consequence: frameshift variant.
Genome position (GRCh38, 1-based): chr12:131,941,328-131,941,332, ACAGA deleted; deleting any 5 consecutive bases within chr12:131,941,325-131,941,332 gives the same sequence; the c. name uses the placement nearest the transcript's 3' end. VCF-style (leftmost placement, unchanged base first): chr12-131941324-AAGAAC-A. GRCh37 (hg19) VCF-style: chr12-132425869-AAGAAC-A.
Other names: c.497_501del, p.Asn166fs (NM_001002019.3, NM_001002020.3); short protein forms N166fs, N194fs.
Identifiers: ClinVar variation 2762282 (VCV002762282.4), dbSNP rs2540872831, ClinGen allele CA2697551565.

ClinVar aggregate classification (germline): Pathogenic. Review status: criteria provided, multiple submitters, no conflicts (2 of 4 stars). 2 submissions from 2 submitters: Pathogenic (2). Last evaluated 2026-08-26.

Conditions:
Myopathy, lactic acidosis, and sideroblastic anemia 1 (MLASA1). Identifiers: Orphanet 2598, MedGen C4551958, MONDO:0024553, OMIM 600462.

Submissions (2):

Myriad Genetics, Inc.
Classification: Pathogenic for Myopathy, lactic acidosis, and sideroblastic anemia 1. Last evaluated: 2026-08-26. Review status: criteria provided, single submitter. Criteria: Myriad Autosomal Dominant, Autosomal Recessive and X-Linked Classification Criteria (2023). Collection method: clinical testing. Allele origin: unknown.
Comment: NM_025215.5(PUS1):c.581_585del5(N194Mfs*2) is a frameshift variant classified as pathogenic in the context of myopathy, lactic acidosis, and sideroblastic anemia 1. N194Mfs*2 has not been observed in cases with relevant disease. Relevant functional assessments of this variant are not available in the literature. N194Mfs*2 has not been observed in referenced population frequency databases. In summary, NM_025215.5(PUS1):c.581_585del5(N194Mfs*2) is a frameshift variant in a gene where loss of function is a known mechanism of disease and is predicted to disrupt protein function. Please note: this variant was assessed in the context of healthy population screening.

Labcorp Genetics (formerly Invitae), Labcorp
Classification: Pathogenic. Last evaluated: 2023-09-21. Review status: criteria provided, single submitter. Criteria: Invitae Variant Classification Sherloc (09022015). Collection method: clinical testing. Allele origin: germline.
Comment: For these reasons, this variant has been classified as Pathogenic. This variant has not been reported in the literature in individuals affected with PUS1-related conditions. This variant is not present in population databases (gnomAD no frequency). This sequence change creates a premature translational stop signal (p.Asn194Metfs*2) in the PUS1 gene. It is expected to result in an absent or disrupted protein product. Loss-of-function variants in PUS1 are known to be pathogenic (PMID: 17056637, 19731322, 25058219, 26556812).

Literature cited by the submitters: PubMed 17056637 (cited by Labcorp Genetics (formerly Invitae), Labcorp); PubMed 19731322 (cited by Labcorp Genetics (formerly Invitae), Labcorp); PubMed 25058219 (cited by Labcorp Genetics (formerly Invitae), Labcorp); PubMed 26556812 (cited by Labcorp Genetics (formerly Invitae), Labcorp).